The following is an entry in ClinVar:

NM_001377299.1(NDUFS2):c.633dup (p.Glu212Ter)

Gene: NDUFS2 (NADH:ubiquinone oxidoreductase core subunit S2; plus strand). Cytogenetic location: 1q23.3.
Variant type: Duplication.
Coding change: c.633dup on transcript NM_001377299.1 (MANE Select); coding-DNA position 633, one base duplicated (T; older notation c.633dupT).
Protein change: p.Glu212Ter; replaces glutamic acid 212 with a stop codon.
Molecular consequence: nonsense. On other transcripts: non-coding transcript variant (1).
Genome position (GRCh38, 1-based): chr1:161,209,862, T duplicated; the last of 3 consecutive T bases (chr1:161,209,860-161,209,862); duplicating any one gives the same sequence. VCF-style (leftmost placement, unchanged base first): chr1-161209859-G-GT. GRCh37 (hg19) VCF-style: chr1-161179649-G-GT.
Other names: c.633dup, p.Glu212Ter (NM_001166159.2, NM_001377298.1, NM_001377300.1 and 4 more transcripts); short protein forms E212*.
Identifiers: ClinVar variation 5005124 (VCV005005124.2).

ClinVar aggregate classification (germline): Likely pathogenic (1 of 4 stars; one submission).

Conditions:
Mitochondrial complex I deficiency, nuclear type 6. Also called: Mitochondrial complex 1 deficiency, nuclear type 6. Identifiers: MedGen C4748759, MONDO:0032611, OMIM 618228.
Leber-like hereditary optic neuropathy, autosomal recessive 2. Also called: Leber hereditary optic neuropathy, autosomal recessive 2. Identifiers: MedGen C5882713, MONDO:0958197, OMIM 620569.

Submission:

Juno Genomics, Hangzhou Juno Genomics, Inc
Classification: Likely pathogenic for Leber-like hereditary optic neuropathy, autosomal recessive 2; Mitochondrial complex I deficiency, nuclear type 6. Review status: criteria provided, single submitter. Criteria: ACMG Guidelines, 2015. Collection method: clinical testing. Allele origin: germline.
Comment: Null variant in a gene where loss of function (LOF) is a known mechanism of disease.;Absent from controls (or at extremely low frequency if recessive) in Genome Aggregation Database.